The following is an entry in ClinVar:

ClinVar aggregate classification (germline): Uncertain significance (1 of 4 stars; one submission).

gnomAD v4.1: 4 of 1,613,740 alleles (0.00025%); highest among the groups gnomAD compares: African/African-American, 0.004%; no homozygotes.

Submission:

Labcorp Genetics (formerly Invitae), Labcorp
Classification: Uncertain significance. Last evaluated: 2023-07-06. Review status: criteria provided, single submitter. Criteria: Invitae Variant Classification Sherloc (09022015). Collection method: clinical testing. Allele origin: germline.
Comment: This sequence change replaces serine, which is neutral and polar, with cysteine, which is neutral and slightly polar, at codon 242 of the MRPS2 protein (p.Ser242Cys). This variant is not present in population databases (gnomAD no frequency). This variant has not been reported in the literature in individuals affected with MRPS2-related conditions. Advanced modeling of protein sequence and biophysical properties (such as structural, functional, and spatial information, amino acid conservation, physicochemical variation, residue mobility, and thermodynamic stability) performed at Invitae indicates that this missense variant is expected to disrupt MRPS2 protein function. In summary, the available evidence is currently insufficient to determine the role of this variant in disease. Therefore, it has been classified as a Variant of Uncertain Significance.

NM_016034.5(MRPS2):c.725C>G (p.Ser242Cys)

Genes: MRPS2 (mitochondrial ribosomal protein S2; plus strand), LOC101928525 (uncharacterized LOC101928525; minus strand). Cytogenetic location: 9q34.3.
Variant type: single nucleotide variant.
Coding change: c.725C>G on transcript NM_016034.5 (MANE Select); coding-DNA position 725, C replaced by G.
Protein change: p.Ser242Cys; replaces serine 242 with cysteine.
Molecular consequence: missense variant. On other transcripts: non-coding transcript variant (4).
Genome position (GRCh38, 1-based): chr9:135,503,967, C>G. VCF-style: chr9-135503967-C-G. GRCh37 (hg19) VCF-style: chr9-138395813-C-G.
Other names: c.725C>G, p.Ser242Cys (NM_001371401.1); short protein forms S242C.
Identifiers: ClinVar variation 2776258 (VCV002776258.3), dbSNP rs766505012, ClinGen allele CA375485448.